The following is an entry in ClinVar:

ClinVar aggregate classification (germline): Uncertain significance. Review status: criteria provided, multiple submitters, no conflicts (2 of 4 stars). 3 submissions from 3 submitters: Uncertain significance (3). Last evaluated 2025-01-15.

Conditions:
Dystonia 32. Identifiers: MedGen C5562029, MONDO:0030486, OMIM 619637.
Leukodystrophy, hypomyelinating, 12. Identifiers: Orphanet 466934, MedGen C4225247, MONDO:0014732, OMIM 616683.

Allele frequency attached by ClinVar (database versions not stated): gnomAD 0.00017; TOPMed 0.00018; ESP Exome Variant Server 0.00032.
gnomAD v4.1: 376 of 1,613,914 alleles (0.023%); highest among the groups gnomAD compares: Non-Finnish European, 0.028%; no homozygotes.

Submissions (3):

Labcorp Genetics (formerly Invitae), Labcorp
Classification: Uncertain significance. Last evaluated: 2025-01-15. Review status: criteria provided, single submitter. Criteria: Invitae Variant Classification Sherloc (09022015). Collection method: clinical testing. Allele origin: germline.
Comment: This sequence change replaces arginine, which is basic and polar, with histidine, which is basic and polar, at codon 547 of the VPS11 protein (p.Arg547His). This variant is present in population databases (rs200774813, gnomAD 0.04%). This variant has not been reported in the literature in individuals affected with VPS11-related conditions. ClinVar contains an entry for this variant (Variation ID: 1305992). Invitae Evidence Modeling of protein sequence and biophysical properties (such as structural, functional, and spatial information, amino acid conservation, physicochemical variation, residue mobility, and thermodynamic stability) indicates that this missense variant is not expected to disrupt VPS11 protein function with a negative predictive value of 80%. In summary, the available evidence is currently insufficient to determine the role of this variant in disease. Therefore, it has been classified as a Variant of Uncertain Significance.

Fulgent Genetics
Classification: Uncertain significance for Leukodystrophy, hypomyelinating, 12; Dystonia 32. Last evaluated: 2021-07-19. Review status: criteria provided, single submitter. Criteria: ACMG Guidelines, 2015. Collection method: clinical testing. Allele origin: unknown.

GeneDx
Classification: Uncertain significance. Last evaluated: 2019-06-05. Review status: criteria provided, single submitter. Criteria: GeneDx Variant Classification Process June 2021. Collection method: clinical testing. Allele origin: germline. Affected: yes.
Comment: In silico analysis, which includes protein predictors and evolutionary conservation, supports a deleterious effect; Has not been previously published as pathogenic or benign to our knowledge

NM_021729.6(VPS11):c.1640G>A (p.Arg547His)

Gene: VPS11 (VPS11 core subunit of CORVET and HOPS complexes; plus strand). Cytogenetic location: 11q23.3.
Variant type: single nucleotide variant.
Coding change: c.1640G>A on transcript NM_021729.6 (MANE Select); coding-DNA position 1640, G replaced by A.
Protein change: p.Arg547His; replaces arginine 547 with histidine.
Molecular consequence: missense variant. On other transcripts: non-coding transcript variant (8).
Genome position (GRCh38, 1-based): chr11:119,077,945, G>A. VCF-style: chr11-119077945-G-A. GRCh37 (hg19) VCF-style: chr11-118948655-G-A.
Other names: c.1610G>A, p.Arg537His (NM_001290185.2); c.1652G>A, p.Arg551His (NM_001378218.1, NM_001378219.1); c.1625G>A, p.Arg542His (NM_001378220.1); c.1622G>A, p.Arg541His (NM_001378221.1); short protein forms R537H, R541H, R542H, R547H, R551H.
Identifiers: ClinVar variation 1305992 (VCV001305992.6), dbSNP rs200774813, ClinGen allele CA6313473.